The following is an entry in ClinVar:

NM_000540.3(RYR1):c.2198G>C (p.Gly733Ala)

Gene: RYR1 (ryanodine receptor 1; plus strand). Cytogenetic location: 19q13.2.
Variant type: single nucleotide variant.
Coding change: c.2198G>C on transcript NM_000540.3 (MANE Select); coding-DNA position 2198, G replaced by C.
Protein change: p.Gly733Ala; replaces glycine 733 with alanine.
Molecular consequence: missense variant.
Genome position (GRCh38, 1-based): chr19:38,459,176, G>C. VCF-style: chr19-38459176-G-C. GRCh37 (hg19) VCF-style: chr19-38949816-G-C.
Other names: c.2198G>C, p.Gly733Ala (NM_001042723.2); short protein forms G733A.
Identifiers: ClinVar variation 2735902 (VCV002735902.3), dbSNP rs2514048420, ClinGen allele CA405627608.
Genomic context (GRCh38, chr19:38,459,176, plus strand): 5'-CGTCTGACCCATCTCTGGTGACTGATGCAGGACACGTGGCACGCCCAGTGACTTCCCCAG[G>C]GCAGCACCTCCTGGCCCCTGAAGACGTGATCAGCTGCTGCCTGGACCTCAGCGTGCCGTC-3'
Protein context (NP_000531.2, residues 723-743): GHVARPVTSP[Gly733Ala]QHLLAPEDVI

ClinVar aggregate classification (germline): Uncertain significance (1 of 4 stars; one submission).

Conditions:
RYR1-related disorder. Also called: RYR1-related condition; RYR1-related disorders. Identifiers: MedGen CN239331.

Submission:

Labcorp Genetics (formerly Invitae), Labcorp
Classification: Uncertain significance for RYR1-related disorder. Last evaluated: 2023-09-29. Review status: criteria provided, single submitter. Criteria: Invitae Variant Classification Sherloc (09022015). Collection method: clinical testing. Allele origin: germline.
Comment: This sequence change replaces glycine, which is neutral and non-polar, with alanine, which is neutral and non-polar, at codon 733 of the RYR1 protein (p.Gly733Ala). This variant is not present in population databases (gnomAD no frequency). This variant has not been reported in the literature in individuals affected with RYR1-related conditions. Advanced modeling of protein sequence and biophysical properties (such as structural, functional, and spatial information, amino acid conservation, physicochemical variation, residue mobility, and thermodynamic stability) performed at Invitae indicates that this missense variant is not expected to disrupt RYR1 protein function. In summary, the available evidence is currently insufficient to determine the role of this variant in disease. Therefore, it has been classified as a Variant of Uncertain Significance.